The following is an entry in ClinVar:

NM_001372044.2(SHANK3):c.4118G>A (p.Arg1373Lys)

Gene: SHANK3 (SH3 and multiple ankyrin repeat domains 3; plus strand). Cytogenetic location: 22q13.33.
Variant type: single nucleotide variant.
Coding change: c.4118G>A on transcript NM_001372044.2 (MANE Select); coding-DNA position 4118, G replaced by A.
Protein change: p.Arg1373Lys; replaces arginine 1373 with lysine.
Molecular consequence: missense variant.
Genome position (GRCh38, 1-based): chr22:50,721,726, G>A. VCF-style: chr22-50721726-G-A. GRCh37 (hg19) VCF-style: chr22-51160154-G-A.
Other names: c.3893G>A, p.Arg1298Lys (NM_033517.1); short protein forms R1298K, R1373K.
Identifiers: ClinVar variation 436719 (VCV000436719.37), dbSNP rs201483867, ClinGen allele CA10326170.

ClinVar aggregate classification (germline): Benign/Likely benign. Review status: criteria provided, multiple submitters, no conflicts (2 of 4 stars). 7 submissions from 7 submitters: Benign (2); Likely benign (2). 3 of the submissions do not count toward it. Last evaluated 2026-08-01.

Conditions:
Inborn genetic diseases. Identifiers: MedGen C0950123, MeSH D030342.
SHANK3-related disorder. Also called: SHANK3-related condition.

Allele frequency attached by ClinVar (database versions not stated): 1000 Genomes Project 30x 0.00016; 1000 Genomes Project 0.00020; TOPMed 0.00066; gnomAD exomes 0.00071 and 0.00128; ESP Exome Variant Server 0.00072; ExAC 0.00076; gnomAD 0.00078 and 0.00081.

Submissions (7):

CeGaT Center for Human Genetics Tuebingen
Classification: Likely benign. Last evaluated: 2026-08-01. Review status: criteria provided, single submitter. Criteria: CeGaT Center For Human Genetics Tuebingen Variant Classification Criteria Version 2. Collection method: clinical testing. Allele origin: germline. Affected: yes. Observed: 4 variant alleles.
Comment: SHANK3: BS1

GeneDx
Classification: Benign. Last evaluated: 2020-01-27. Review status: criteria provided, single submitter. Criteria: GeneDx Variant Classification Process June 2021. Collection method: clinical testing. Allele origin: germline. Affected: yes.
Comment: This variant is associated with the following publications: (PMID: 20385823, 28210977, 18615476)

Ambry Genetics
Classification: Likely benign for Inborn genetic diseases. Last evaluated: 2019-06-28. Review status: criteria provided, single submitter. Criteria: Ambry Variant Classification Scheme 2023. Collection method: clinical testing. Allele origin: germline.

Genetic Services Laboratory, University of Chicago
Classification: Benign. Last evaluated: 2016-03-24. Review status: criteria provided, single submitter. Criteria: ACMG Guidelines, 2015. Collection method: clinical testing. Allele origin: germline. Affected: no.

PreventionGenetics, part of Exact Sciences
Classification: Likely benign for SHANK3-related condition. Last evaluated: 2021-02-16. Review status: no assertion criteria provided. Collection method: clinical testing. Allele origin: germline. Not counted in ClinVar's aggregate classification.
Comment: This variant is classified as likely benign based on ACMG/AMP sequence variant interpretation guidelines (Richards et al. 2015 PMID: 25741868, with internal and published modifications).

Clinical Genetics DNA and cytogenetics Diagnostics Lab, Erasmus MC, Erasmus Medical Center
Classification: Likely benign. Review status: no assertion criteria provided. Collection method: clinical testing. Allele origin: germline. Affected: yes. Study: VKGL Data-share Consensus. Not counted in ClinVar's aggregate classification.

Laboratory of Diagnostic Genome Analysis, Leiden University Medical Center (LUMC)
Classification: Likely benign. Review status: no assertion criteria provided. Collection method: clinical testing. Allele origin: germline. Affected: yes. Study: VKGL Data-share Consensus. Not counted in ClinVar's aggregate classification.

Literature cited by the submitters: PubMed 18615476 (cited by Ambry Genetics); PubMed 20385823 (cited by Ambry Genetics).